The following is an entry in ClinVar:

NM_000565.4(IL6R):c.126C>T (p.Ser42=)

Gene: IL6R (interleukin 6 receptor; plus strand). Cytogenetic location: 1q21.3.
Variant type: single nucleotide variant.
Coding change: c.126C>T on transcript NM_000565.4 (MANE Select); coding-DNA position 126, C replaced by T.
Protein change: p.Ser42=; no amino-acid change (serine 42 retained).
Molecular consequence: synonymous variant.
Genome position (GRCh38, 1-based): chr1:154,429,236, C>T. VCF-style: chr1-154429236-C-T. GRCh37 (hg19) VCF-style: chr1-154401712-C-T.
Other names: p.Ser42=; c.126C>T, p.Ser42= (NM_001206866.2, NM_001382769.1, NM_001382770.1 and 5 more transcripts).
Identifiers: ClinVar variation 715552 (VCV000715552.13), dbSNP rs34099703, ClinGen allele CA1128925.

ClinVar aggregate classification (germline): Benign. Review status: criteria provided, multiple submitters, no conflicts (2 of 4 stars). 5 submissions from 5 submitters: Benign (4). 1 of the submissions does not count toward it. Last evaluated 2026-02-02.

Conditions:
IL6R-related disorder. Also called: IL6R-related condition.

Allele frequency attached by ClinVar (database versions not stated): gnomAD exomes 0.00086 and 0.00251; ExAC 0.00308; 1000 Genomes Project 0.00779; 1000 Genomes Project 30x 0.00781; gnomAD 0.00932 and 0.01002; ESP Exome Variant Server 0.01038; TOPMed 0.01050.
gnomAD v4.1: 2,739 of 1,613,898 alleles (0.17%); highest among the groups gnomAD compares: African/African-American, 3.2%; 33 homozygotes.

Submissions (5):

Labcorp Genetics (formerly Invitae), Labcorp
Classification: Benign. Last evaluated: 2026-02-02. Review status: criteria provided, single submitter. Criteria: Invitae Variant Classification Sherloc (09022015). Collection method: clinical testing. Allele origin: germline.

Women's Health and Genetics/Laboratory Corporation of America, LabCorp
Classification: Benign. Last evaluated: 2026-01-23. Review status: criteria provided, single submitter. Criteria: LabCorp Variant Classification Summary - May 2015. Collection method: clinical testing. Allele origin: germline.

Mayo Clinic Laboratories, Mayo Clinic
Classification: Benign. Last evaluated: 2025-06-06. Review status: criteria provided, single submitter. Criteria: ACMG Guidelines, 2015. Collection method: clinical testing. Allele origin: germline. Observed: 2 variant alleles.
Comment: BS1, BS2, BP4, BP7

Breakthrough Genomics
Classification: Benign. Review status: criteria provided, single submitter. Criteria: ACMG Guidelines, 2015. Collection method: not provided. Allele origin: germline. Inheritance: Autosomal recessive inheritance. Affected: yes.

PreventionGenetics, part of Exact Sciences
Classification: Benign for IL6R-related condition. Last evaluated: 2024-04-16. Review status: no assertion criteria provided. Collection method: clinical testing. Allele origin: germline. Not counted in ClinVar's aggregate classification.
Comment: This variant is classified as benign based on ACMG/AMP sequence variant interpretation guidelines (Richards et al. 2015 PMID: 25741868, with internal and published modifications).